The following is an entry in ClinVar:

NM_000059.4(BRCA2):c.6541G>T (p.Gly2181Ter)

Gene: BRCA2 (BRCA2 DNA repair associated; plus strand). Cytogenetic location: 13q13.1.
Variant type: single nucleotide variant.
Coding change: c.6541G>T on transcript NM_000059.4 (MANE Select); coding-DNA position 6541, G replaced by T.
Protein change: p.Gly2181Ter; replaces glycine 2181 with a stop codon.
Molecular consequence: nonsense.
Genome position (GRCh38, 1-based): chr13:32,340,896, G>T. VCF-style: chr13-32340896-G-T. GRCh37 (hg19) VCF-style: chr13-32915033-G-T.
Other names: 6769G>T; short protein forms G2181*.
Identifiers: ClinVar variation 266961 (VCV000266961.10), dbSNP rs371067421, ClinGen allele CA10589390.
Genomic context (GRCh38, chr13:32,340,896, plus strand): 5'-GACAAACAACAGTTGGTATTAGGAACCAAAGTGTCACTTGTTGAGAACATTCATGTTTTG[G>T]GAAAAGAACAGGCTTCACCTAAAAACGTAAAAATGGAAATTGGTAAAACTGAAACTTTTT-3'

ClinVar aggregate classification (germline): Pathogenic. Review status: reviewed by expert panel (3 of 4 stars). 5 submissions from 5 submitters: Pathogenic (1). 4 of the submissions do not count toward it. Last evaluated 2016-10-18.

Conditions:
Breast-ovarian cancer, familial, susceptibility to, 2 (BROVCA2). Also called: BRCA2 Hereditary Breast and Ovarian Cancer. Identifiers: Orphanet 145, MedGen C2675520, MONDO:0012933, OMIM 612555. Disease mechanism: loss of function.
Hereditary cancer-predisposing syndrome. Also called: Hereditary neoplastic syndrome; Neoplastic Syndromes, Hereditary; Tumor predisposition; Hereditary Cancer Syndrome. Identifiers: Orphanet 140162, MedGen C0027672, MeSH D009386, MONDO:0015356.
Hereditary breast ovarian cancer syndrome. Also called: BRCA1- and BRCA2-Associated Hereditary Breast and Ovarian Cancer; Hereditary breast and ovarian cancer; Breast and ovarian cancer; Hereditary breast and/or ovarian cancer syndrome; Hereditary breast and ovarian cancer syndrome; Hereditary breast and ovarian cancer syndrome (HBOC). Identifiers: Orphanet 145, MedGen C0677776, MeSH D061325, MONDO:0003582. Disease mechanism: loss of function.

Submissions (5):

Evidence-based Network for the Interpretation of Germline Mutant Alleles (ENIGMA)
Classification: Pathogenic for Breast-ovarian cancer, familial, susceptibility to, 2. Last evaluated: 2016-10-18. Review status: reviewed by expert panel. Criteria: ENIGMA BRCA1/2 Classification Criteria (2015). Collection method: curation. Allele origin: germline.
Comment: Variant allele predicted to encode a truncated non-functional protein.

Labcorp Genetics (formerly Invitae), Labcorp
Classification: Pathogenic for Hereditary breast ovarian cancer syndrome. Last evaluated: 2025-08-27. Review status: criteria provided, single submitter. Criteria: Invitae Variant Classification Sherloc (09022015). Collection method: clinical testing. Allele origin: germline. Not counted in ClinVar's aggregate classification.
Comment: This sequence change creates a premature translational stop signal (p.Gly2181*) in the BRCA2 gene. It is expected to result in an absent or disrupted protein product. Loss-of-function variants in BRCA2 are known to be pathogenic (PMID: 20104584). This variant is not present in population databases (gnomAD no frequency). This premature translational stop signal has been observed in individual(s) with breast cancer (PMID: 24578176, 38355628). ClinVar contains an entry for this variant (Variation ID: 266961). For these reasons, this variant has been classified as Pathogenic.

Ambry Genetics
Classification: Pathogenic for Hereditary cancer-predisposing syndrome. Last evaluated: 2024-11-26. Review status: criteria provided, single submitter. Criteria: Ambry Variant Classification Scheme 2023. Collection method: clinical testing. Allele origin: germline. Not counted in ClinVar's aggregate classification.
Comment: The p.G2181* pathogenic mutation (also known as c.6541G>T), located in coding exon 10 of the BRCA2 gene, results from a G to T substitution at nucleotide position 6541. This changes the amino acid from a glycine to a stop codon within coding exon 10. This alteration has been identified in multiple breast cancer patients (Rebbeck TR et al. Hum Mutat. 2018 05;39:593-620; Wen WX et al. J Med Genet. 2018 02;55:97-103). This variant is considered to be rare based on population cohorts in the Genome Aggregation Database (gnomAD). In addition to the clinical data presented in the literature, this alteration is expected to result in loss of function by premature protein truncation or nonsense-mediated mRNA decay. As such, this alteration is interpreted as a disease-causing mutation.

Quest Diagnostics Nichols Institute San Juan Capistrano
Classification: Pathogenic. Last evaluated: 2023-02-02. Review status: criteria provided, single submitter. Criteria: Quest Diagnostics criteria. Collection method: clinical testing. Allele origin: unknown. Not counted in ClinVar's aggregate classification.
Comment: This nonsense variant causes the premature termination of BRCA2 protein synthesis. This variant has not been reported in large, multi-ethnic general populations. In the published literature, the variant has been reported in individuals with breast cancer (PMID: 24578176 (2014), 28993434 (2018)). Based on the available information, this variant is classified as pathogenic.

Consortium of Investigators of Modifiers of BRCA1/2 (CIMBA), c/o University of Cambridge
Classification: Pathogenic for Breast-ovarian cancer, familial, susceptibility to, 2. Last evaluated: 2015-10-02. Review status: criteria provided, single submitter. Criteria: CIMBA Mutation Classification guidelines May 2016. Collection method: clinical testing. Allele origin: germline. Not counted in ClinVar's aggregate classification.

Literature cited by the submitters: PubMed 20104584 (cited by Labcorp Genetics (formerly Invitae), Labcorp); PubMed 24578176 (cited by Labcorp Genetics (formerly Invitae), Labcorp and Quest Diagnostics Nichols Institute San Juan Capistrano); PubMed 38355628 (cited by Labcorp Genetics (formerly Invitae), Labcorp); PubMed 28993434 (cited by Ambry Genetics and Quest Diagnostics Nichols Institute San Juan Capistrano); PubMed 29446198 (cited by Ambry Genetics and Quest Diagnostics Nichols Institute San Juan Capistrano); PubMed 27077130 (cited by Quest Diagnostics Nichols Institute San Juan Capistrano).